The following is an entry in ClinVar:

ClinVar aggregate classification (germline): Uncertain significance (1 of 4 stars; one submission).

Submission:

CeGaT Center for Human Genetics Tuebingen
Classification: Uncertain significance. Last evaluated: 2024-03-01. Review status: criteria provided, single submitter. Criteria: CeGaT Center For Human Genetics Tuebingen Variant Classification Criteria Version 2. Collection method: clinical testing. Allele origin: germline. Affected: yes. Observed: 1 variant allele.
Comment: SYNE1: PM2, BP4

NM_182961.4(SYNE1):c.850G>A (p.Asp284Asn)

Gene: SYNE1 (spectrin repeat containing nuclear envelope protein 1; minus strand). Cytogenetic location: 6q25.2.
Variant type: single nucleotide variant.
Coding change: c.850G>A on transcript NM_182961.4 (MANE Select); coding-DNA position 850, G replaced by A.
Protein change: p.Asp284Asn; replaces aspartic acid 284 with asparagine.
Molecular consequence: missense variant.
Genome position (GRCh38, 1-based): chr6:152,502,671, C>T on the plus strand (G>A on the coding strand, the complement: SYNE1 is on the minus strand). VCF-style: chr6-152502671-C-T. GRCh37 (hg19) VCF-style: chr6-152823806-C-T.
Other names: c.871G>A, p.Asp291Asn (NM_033071.5); short protein forms D284N, D291N.
Identifiers: ClinVar variation 3067648 (VCV003067648.21), dbSNP rs2507847885, ClinGen allele CA366147940.
Genomic context (GRCh38, chr6:152,502,671, plus strand): 5'-CTTGAAGAAAGCAAATACCTACATCATCCTCTTGCCCATCAGTGCTTGCATTGTGGATGT[C>T]AGGATAATGTTTCAGAAACTGGGCTACATAGGTCATAATAGATTTCTCATCTGGTTTATC-3'
Protein context (NP_892006.3, residues 274-294): YVAQFLKHYP[Asp284Asn]IHNASTDGQE